The following is an entry in ClinVar:

ClinVar aggregate classification (germline): Likely pathogenic (1 of 4 stars; one submission).

Conditions:
Polyposis syndrome, hereditary mixed, 2. Identifiers: Orphanet 157794, MedGen C1864730, MONDO:0012405, OMIM 610069.

Submission:

Human Genetics Bochum, Ruhr University Bochum
Classification: Likely pathogenic for Polyposis syndrome, hereditary mixed, 2. Last evaluated: 2023-03-06. Review status: criteria provided, single submitter. Criteria: ACMG Guidelines, 2015. Collection method: clinical testing. Allele origin: germline. Affected: yes.
Comment: ACMG criteria used to clasify this variant:PVS1, PM2_SUP

NM_004329.3(BMPR1A):c.974dup (p.Leu326fs)

Gene: BMPR1A (bone morphogenetic protein receptor type 1A; plus strand). Cytogenetic location: 10q23.2.
Variant type: Duplication.
Coding change: c.974dup on transcript NM_004329.3 (MANE Select); coding-DNA position 974, one base duplicated (C; older notation c.974dupC).
Protein change: p.Leu326fs; shifts the reading frame from leucine 326.
Molecular consequence: frameshift variant. On other transcripts: non-coding transcript variant (3).
Genome position (GRCh38, 1-based): chr10:86,919,277, C duplicated. VCF-style (leftmost placement, unchanged base first): chr10-86919276-A-AC. GRCh37 (hg19) VCF-style: chr10-88679033-A-AC.
Other names: c.1049dup, p.Leu351fs (NM_001406559.1); c.1022dup, p.Leu342fs (NM_001406560.1); c.974dup, p.Leu326fs (NM_001406561.1, NM_001406562.1, NM_001406563.1 and 19 more transcripts); c.968dup, p.Leu324fs (NM_001406583.1); c.890dup, p.Leu298fs (NM_001406584.1, NM_001406585.1, NM_001406586.1 and 2 more transcripts); c.632dup, p.Leu212fs (NM_001406589.1); short protein forms L212fs, L298fs, L324fs, L326fs, L342fs, L351fs.
Identifiers: ClinVar variation 2583147 (VCV002583147.1), dbSNP rs2539619684, ClinGen allele CA2582342688.